The following is an entry in ClinVar:

NM_001848.3(COL6A1):c.19C>A (p.Leu7Met)

Gene: COL6A1 (collagen type VI alpha 1 chain; plus strand). Cytogenetic location: 21q22.3.
Variant type: single nucleotide variant.
Coding change: c.19C>A on transcript NM_001848.3 (MANE Select); coding-DNA position 19, C replaced by A.
Protein change: p.Leu7Met; replaces leucine 7 with methionine.
Molecular consequence: missense variant.
Genome position (GRCh38, 1-based): chr21:45,981,869, C>A. VCF-style: chr21-45981869-C-A. GRCh37 (hg19) VCF-style: chr21-47401783-C-A.
Other names: short protein forms L7M.
Identifiers: ClinVar variation 2088603 (VCV002088603.4), dbSNP rs1280132890, ClinGen allele CA410513800.

ClinVar aggregate classification (germline): Uncertain significance (1 of 4 stars; one submission).

Conditions:
Bethlem myopathy 1A. Also called: MYOPATHY, BENIGN CONGENITAL, WITH CONTRACTURES; Bethlem myopathy 1; Bethlem Muscular Dystrophy. Identifiers: Orphanet 610, MedGen CN029274, MONDO:0024530, OMIM 158810.

Allele frequency attached by ClinVar (database versions not stated): gnomAD 0.00001; TOPMed 0.00001.

Submission:

Labcorp Genetics (formerly Invitae), Labcorp
Classification: Uncertain significance for Bethlem myopathy 1A. Last evaluated: 2023-11-13. Review status: criteria provided, single submitter. Criteria: Invitae Variant Classification Sherloc (09022015). Collection method: clinical testing. Allele origin: germline.
Comment: This sequence change replaces leucine, which is neutral and non-polar, with methionine, which is neutral and non-polar, at codon 7 of the COL6A1 protein (p.Leu7Met). This variant is not present in population databases (gnomAD no frequency). This variant has not been reported in the literature in individuals affected with COL6A1-related conditions. ClinVar contains an entry for this variant (Variation ID: 2088603). Advanced modeling of protein sequence and biophysical properties (such as structural, functional, and spatial information, amino acid conservation, physicochemical variation, residue mobility, and thermodynamic stability) performed at Invitae indicates that this missense variant is not expected to disrupt COL6A1 protein function with a negative predictive value of 95%. In summary, the available evidence is currently insufficient to determine the role of this variant in disease. Therefore, it has been classified as a Variant of Uncertain Significance.